The following is an entry in ClinVar:

NM_133433.4(NIPBL):c.3305-1G>A

Gene: NIPBL (NIPBL cohesin loading factor; plus strand). Cytogenetic location: 5p13.2.
Variant type: single nucleotide variant.
Coding change: c.3305-1G>A on transcript NM_133433.4 (MANE Select); the canonical splice acceptor site of the intron before coding-DNA position 3305, G replaced by A.
Molecular consequence: splice acceptor variant.
Genome position (GRCh38, 1-based): chr5:37,000,372, G>A. VCF-style: chr5-37000372-G-A. GRCh37 (hg19) VCF-style: chr5-37000474-G-A.
Other names: c.3305-1G>A (NM_015384.5).
Identifiers: ClinVar variation 1253954 (VCV001253954.2), dbSNP rs80358375, ClinGen allele CA359516799.
Genomic context (GRCh38, chr5:37,000,372, plus strand): 5'-TACAAGTTTTAATCATCTTTTTAAATGAGGTAAATTATTTGTCATGGGGATTTGCTTCTA[G>A]CCTCTAGGAAACGACATAAAAAAGATGATGATAAAGCTTGGGAATATGAAGAGCGTGACA-3'

ClinVar aggregate classification (germline): Likely pathogenic (1 of 4 stars; one submission).

Submission:

GeneDx
Classification: Likely pathogenic. Last evaluated: 2021-02-12. Review status: criteria provided, single submitter. Criteria: GeneDx Variant Classification Process June 2021. Collection method: clinical testing. Allele origin: germline. Affected: yes.
Comment: Canonical splice site variant expected to result in aberrant splicing, although in the absence of functional evidence the actual effect of this sequence change is unknown.; Not observed in large population cohorts (Lek et al., 2016); Deletions involving coding exons of this gene are a known mechanism of disease (Stenson et al., 2014); Has not been previously published as pathogenic or benign to our knowledge